The following is an entry in ClinVar:

ClinVar aggregate classification (germline): Uncertain significance (1 of 4 stars; one submission).

Conditions:
Cardiovascular phenotype. Identifiers: MedGen CN230736.

gnomAD v4.1: 1 of 1,614,026 alleles (0.000062%); highest among the groups gnomAD compares: Non-Finnish European, 0.000085%; no homozygotes.

Submission:

Ambry Genetics
Classification: Uncertain significance for Cardiovascular phenotype. Last evaluated: 2025-02-22. Review status: criteria provided, single submitter. Criteria: Ambry Variant Classification Scheme 2023. Collection method: clinical testing. Allele origin: germline.
Comment: The p.M266I variant (also known as c.798G>C), located in coding exon 7 of the SPRED1 gene, results from a G to C substitution at nucleotide position 798. The methionine at codon 266 is replaced by isoleucine, an amino acid with highly similar properties. This amino acid position is conserved. In addition, the in silico prediction for this alteration is inconclusive. Based on the available evidence, the clinical significance of this variant remains unclear.

NM_152594.3(SPRED1):c.798G>C (p.Met266Ile)

Gene: SPRED1 (sprouty related EVH1 domain containing 1; plus strand). Cytogenetic location: 15q14.
Variant type: single nucleotide variant.
Coding change: c.798G>C on transcript NM_152594.3 (MANE Select); coding-DNA position 798, G replaced by C.
Protein change: p.Met266Ile; replaces methionine 266 with isoleucine.
Molecular consequence: missense variant.
Genome position (GRCh38, 1-based): chr15:38,351,127, G>C. VCF-style: chr15-38351127-G-C. GRCh37 (hg19) VCF-style: chr15-38643328-G-C.
Other names: short protein forms M266I.
Identifiers: ClinVar variation 3800929 (VCV003800929.1).